The following is an entry in ClinVar:

ClinVar aggregate classification (germline): Uncertain significance (1 of 4 stars; one submission).

Conditions:
Ataxia-telangiectasia syndrome (AT). Also called: Cerebello-oculocutaneous telangiectasia; Immunodeficiency with ataxia telangiectasia; Ataxia-telangiectasia, complementation group D; AT, COMPLEMENTATION GROUP C; Ataxia-telangiectasia, complementation group E; LOUIS-BAR SYNDROME. Identifiers: Orphanet 100, MedGen C0004135, MONDO:0008840, OMIM 208900.

Submission:

Labcorp Genetics (formerly Invitae), Labcorp
Classification: Uncertain significance for Ataxia-telangiectasia syndrome. Last evaluated: 2025-06-01. Review status: criteria provided, single submitter. Criteria: Invitae Variant Classification Sherloc (09022015). Collection method: clinical testing. Allele origin: germline.
Comment: This sequence change replaces arginine, which is basic and polar, with serine, which is neutral and polar, at codon 110 of the ATM protein (p.Arg110Ser). This variant is not present in population databases (gnomAD no frequency). This variant has not been reported in the literature in individuals affected with ATM-related conditions. ClinVar contains an entry for this variant (Variation ID: 453459). An algorithm developed to predict the effect of missense changes on protein structure and function (PolyPhen-2) suggests that this variant is likely to be tolerated. In summary, the available evidence is currently insufficient to determine the role of this variant in disease. Therefore, it has been classified as a Variant of Uncertain Significance.

NM_000051.4(ATM):c.330A>C (p.Arg110Ser)

Gene: ATM (ATM serine/threonine kinase; plus strand). Cytogenetic location: 11q22.3.
Variant type: single nucleotide variant.
Coding change: c.330A>C on transcript NM_000051.4 (MANE Select); coding-DNA position 330, A replaced by C.
Protein change: p.Arg110Ser; replaces arginine 110 with serine.
Molecular consequence: missense variant.
Genome position (GRCh38, 1-based): chr11:108,229,322, A>C. VCF-style: chr11-108229322-A-C. GRCh37 (hg19) VCF-style: chr11-108100049-A-C.
Other names: c.330A>C, p.Arg110Ser (NM_001351834.2, NM_001351835.2, NM_001351836.2); short protein forms R110S.
Identifiers: ClinVar variation 453459 (VCV000453459.7), dbSNP rs1555055350, ClinGen allele CA382521831.